The following is an entry in ClinVar:

NM_000059.4(BRCA2):c.6212G>C (p.Ser2071Thr)

Gene: BRCA2 (BRCA2 DNA repair associated; plus strand). Cytogenetic location: 13q13.1.
Variant type: single nucleotide variant.
Coding change: c.6212G>C on transcript NM_000059.4 (MANE Select); coding-DNA position 6212, G replaced by C.
Protein change: p.Ser2071Thr; replaces serine 2071 with threonine.
Molecular consequence: missense variant.
Genome position (GRCh38, 1-based): chr13:32,340,567, G>C. VCF-style: chr13-32340567-G-C. GRCh37 (hg19) VCF-style: chr13-32914704-G-C.
Other names: short protein forms S2071T.
Identifiers: ClinVar variation 230278 (VCV000230278.20), dbSNP rs80358861, ClinGen allele CA6940934.

ClinVar aggregate classification (germline): Conflicting classifications of pathogenicity. Review status: criteria provided, conflicting classifications (1 of 4 stars). 5 submissions from 5 submitters: Uncertain significance (4); Likely benign (1). Last evaluated 2024-11-16.

Conditions:
Hereditary cancer-predisposing syndrome. Also called: Hereditary neoplastic syndrome; Hereditary Cancer Syndrome; Neoplastic Syndromes, Hereditary; Tumor predisposition. Identifiers: Orphanet 140162, MedGen C0027672, MeSH D009386, MONDO:0015356.
Hereditary breast ovarian cancer syndrome. Also called: Hereditary breast and ovarian cancer syndrome; Hereditary breast and ovarian cancer syndrome (HBOC); Breast and ovarian cancer; Hereditary breast and/or ovarian cancer syndrome; Hereditary breast and ovarian cancer; BRCA1- and BRCA2-Associated Hereditary Breast and Ovarian Cancer. Identifiers: Orphanet 145, MedGen C0677776, MeSH D061325, MONDO:0003582. Disease mechanism: loss of function.

Allele frequency attached by ClinVar (database versions not stated): gnomAD exomes 0.00001; ExAC 0.00002.
gnomAD v4.1: 2 of 1,612,376 alleles (0.00012%); highest among the groups gnomAD compares: Non-Finnish European, 0.00017%; no homozygotes.

Submissions (5):

Labcorp Genetics (formerly Invitae), Labcorp
Classification: Uncertain significance for Hereditary breast ovarian cancer syndrome. Last evaluated: 2024-11-16. Review status: criteria provided, single submitter. Criteria: Invitae Variant Classification Sherloc (09022015). Collection method: clinical testing. Allele origin: germline.
Comment: This sequence change replaces serine, which is neutral and polar, with threonine, which is neutral and polar, at codon 2071 of the BRCA2 protein (p.Ser2071Thr). This variant is present in population databases (rs80358861, gnomAD 0.002%). This missense change has been observed in individual(s) with BRCA2-related conditions (PMID: 30613976, 34026625). ClinVar contains an entry for this variant (Variation ID: 230278). Invitae Evidence Modeling of protein sequence and biophysical properties (such as structural, functional, and spatial information, amino acid conservation, physicochemical variation, residue mobility, and thermodynamic stability) indicates that this missense variant is not expected to disrupt BRCA2 protein function with a negative predictive value of 95%. In summary, the available evidence is currently insufficient to determine the role of this variant in disease. Therefore, it has been classified as a Variant of Uncertain Significance.

Ambry Genetics
Classification: Uncertain significance for Hereditary cancer-predisposing syndrome. Last evaluated: 2024-07-18. Review status: criteria provided, single submitter. Criteria: Ambry Variant Classification Scheme 2023. Collection method: clinical testing. Allele origin: germline.
Comment: The p.S2071T variant (also known as c.6212G>C), located in coding exon 10 of the BRCA2 gene, results from a G to C substitution at nucleotide position 6212. The serine at codon 2071 is replaced by threonine, an amino acid with similar properties. This variant was also identified in a cohort of 200 patients with a personal and/or family history suggestive of hereditary breast and ovarian cancer syndrome (Doddato G et al. Front Oncol, 2021 May;11:649435). This amino acid position is well conserved in available vertebrate species. In addition, the in silico prediction for this alteration is inconclusive. Based on the available evidence, the clinical significance of this variant remains unclear.

Color Diagnostics, LLC DBA Color Health
Classification: Uncertain significance for Hereditary cancer-predisposing syndrome. Last evaluated: 2024-07-08. Review status: criteria provided, single submitter. Criteria: ACMG Guidelines, 2015. Collection method: clinical testing. Allele origin: germline.
Comment: This missense variant replaces serine with threonine at codon 2071 of the BRCA2 protein. Computational prediction suggests that this variant may not impact protein structure and function. To our knowledge, functional studies have not been reported for this variant. This variant has been reported in two individuals affected with BRCA2-related cancers (PMID: 30613976, 34026625). This variant has been identified in 2/249984 chromosomes in the general population by the Genome Aggregation Database (gnomAD). The available evidence is insufficient to determine the role of this variant in disease conclusively. Therefore, this variant is classified as a Variant of Uncertain Significance.

University of Washington Department of Laboratory Medicine, University of Washington
Classification: Likely benign for Hereditary cancer-predisposing syndrome. Last evaluated: 2023-03-23. Review status: criteria provided, single submitter. Criteria: Dines et al. (Genet Med. 2020). Collection method: curation. Allele origin: germline.
Comment: Missense variant in a coldspot region where missense variants are very unlikely to be pathogenic (PMID:31911673).

BRCA2 exon 11 coldspot. Reclassification based on statistical prior probability.

Sema4
Classification: Uncertain significance for Hereditary cancer-predisposing syndrome. Last evaluated: 2021-11-06. Review status: criteria provided, single submitter. Criteria: Sema4 Curation Guidelines. Collection method: curation. Allele origin: germline.
Comment: The BRCA2 c.6212G>C (p.S2071T) variant has been reported in heterozygosity in at least two individuals with breast cancer or undergoing genetic testing for hereditary breast and ovarian cancer syndrome (PMID: 30613976, 34026625). It was observed in 2/113178 chromosomes of the Non-Finnish European subpopulation in the large and broad cohorts of the Genome Aggregation Database (PMID: 32461654). The variant has been reported in ClinVar (Variation ID 230278). Functional studies have not been performed, and in silico predictions of the variant's effect on protein function are inconclusive. The evidence is insufficient to meet ACMG/AMP criteria for classifying the variant as benign or pathogenic. Thus, the clinical significance of this variant is currently uncertain.

Literature cited by the submitters: PubMed 30613976 (cited by 4 submitters); PubMed 34026625 (cited by 4 submitters).